The following is an entry in ClinVar:

NM_001128205.2(SULF1):c.112C>T (p.Arg38Ter)

Gene: SULF1 (sulfatase 1; plus strand). Cytogenetic location: 8q13.2.
Variant type: single nucleotide variant.
Coding change: c.112C>T on transcript NM_001128205.2 (MANE Select); coding-DNA position 112, C replaced by T.
Protein change: p.Arg38Ter; replaces arginine 38 with a stop codon.
Molecular consequence: nonsense. On other transcripts: non-coding transcript variant (6), 5 prime UTR variant (5).
Genome position (GRCh38, 1-based): chr8:69,564,087, C>T. VCF-style: chr8-69564087-C-T. GRCh37 (hg19) VCF-style: chr8-70476322-C-T.
Other names: c.112C>T, p.Arg38Ter (NM_001128204.2, NM_001128206.2, NM_001412828.1 and 18 more transcripts); c.-98C>T (NM_001412841.1, NM_001412842.1); c.-415C>T (NM_001412844.1, NM_001412845.1); c.-1590C>T (NM_001412846.1); short protein forms R38*.
Identifiers: ClinVar variation 3691940 (VCV003691940.2).

ClinVar aggregate classification (germline): Uncertain significance (1 of 4 stars; one submission).

Submission:

Labcorp Genetics (formerly Invitae), Labcorp
Classification: Uncertain significance. Last evaluated: 2025-12-23. Review status: criteria provided, single submitter. Criteria: Invitae Variant Classification Sherloc (09022015). Collection method: clinical testing. Allele origin: germline.
Comment: This sequence change creates a premature translational stop signal (p.Arg38*) in the SULF1 gene. It is expected to result in an absent or disrupted protein product. However, the current clinical and genetic evidence is not sufficient to establish whether loss-of-function variants in SULF1 cause disease. This variant is present in population databases (no rsID available, gnomAD 0.006%). This variant has not been reported in the literature in individuals affected with SULF1-related conditions. ClinVar contains an entry for this variant (Variation ID: 3691940). In summary, the available evidence is currently insufficient to determine the role of this variant in disease. Therefore, it has been classified as a Variant of Uncertain Significance.